The following is an entry in ClinVar:

ClinVar aggregate classification (germline): Uncertain significance (1 of 4 stars; one submission).

Conditions:
Oligodontia-cancer predisposition syndrome. Also called: TOOTH AGENESIS-COLORECTAL CANCER SYNDROME. Identifiers: Orphanet 300576, MedGen C1837750, MONDO:0012075, OMIM 608615. Disease mechanism: loss of function.

gnomAD v4.1: 1 of 1,610,996 alleles (0.000062%); highest among the groups gnomAD compares: Non-Finnish European, 0.000085%; no homozygotes.

Submission:

Labcorp Genetics (formerly Invitae), Labcorp
Classification: Uncertain significance for Oligodontia-cancer predisposition syndrome. Last evaluated: 2024-04-09. Review status: criteria provided, single submitter. Criteria: Invitae Variant Classification Sherloc (09022015). Collection method: clinical testing. Allele origin: germline.
Comment: This sequence change replaces proline, which is neutral and non-polar, with alanine, which is neutral and non-polar, at codon 588 of the AXIN2 protein (p.Pro588Ala). This variant is not present in population databases (gnomAD no frequency). This variant has not been reported in the literature in individuals affected with AXIN2-related conditions. Advanced modeling of protein sequence and biophysical properties (such as structural, functional, and spatial information, amino acid conservation, physicochemical variation, residue mobility, and thermodynamic stability) performed at Invitae indicates that this missense variant is not expected to disrupt AXIN2 protein function with a negative predictive value of 80%. In summary, the available evidence is currently insufficient to determine the role of this variant in disease. Therefore, it has been classified as a Variant of Uncertain Significance.

NM_004655.4(AXIN2):c.1762C>G (p.Pro588Ala)

Gene: AXIN2 (axin 2; minus strand). Cytogenetic location: 17q24.1.
Variant type: single nucleotide variant.
Coding change: c.1762C>G on transcript NM_004655.4 (MANE Select); coding-DNA position 1762, C replaced by G.
Protein change: p.Pro588Ala; replaces proline 588 with alanine.
Molecular consequence: missense variant. On other transcripts: intron variant (1).
Genome position (GRCh38, 1-based): chr17:65,537,014, G>C on the plus strand (C>G on the coding strand, the complement: AXIN2 is on the minus strand). VCF-style: chr17-65537014-G-C. GRCh37 (hg19) VCF-style: chr17-63533132-G-C.
Other names: c.1712+310C>G (NM_001363813.1); short protein forms P588A.
Identifiers: ClinVar variation 3649250 (VCV003649250.2).